The following is an entry in ClinVar:

NM_000531.6(OTC):c.758C>A (p.Ala253Glu)

Gene: OTC (ornithine transcarbamylase; plus strand). Cytogenetic location: Xp11.4.
Variant type: single nucleotide variant.
Coding change: c.758C>A on transcript NM_000531.6 (MANE Select); coding-DNA position 758, C replaced by A.
Protein change: p.Ala253Glu; replaces alanine 253 with glutamic acid.
Molecular consequence: missense variant.
Genome position (GRCh38, 1-based): chrX:38,408,916, C>A. VCF-style: chrX-38408916-C-A. GRCh37 (hg19) VCF-style: chrX-38268169-C-A.
Other names: short protein forms A253E.
Identifiers: ClinVar variation 1490787 (VCV001490787.8), dbSNP rs2147345110, ClinGen allele CA412722613.

ClinVar aggregate classification (germline): Likely pathogenic (1 of 4 stars; one submission).

Conditions:
Ornithine carbamoyltransferase deficiency (OTCD). Also called: ORNITHINE TRANSCARBAMYLASE DEFICIENCY; ORNITHINE TRANSCARBAMYLASE DEFICIENCY, HYPERAMMONEMIA DUE TO; Ornithine Carbamoyltransferase Deficiency Disease; OTC DEFICIENCY. Identifiers: Orphanet 664, MedGen C0268542, MONDO:0010703, OMIM 311250.

Submission:

Labcorp Genetics (formerly Invitae), Labcorp
Classification: Likely pathogenic for Ornithine carbamoyltransferase deficiency. Last evaluated: 2021-03-25. Review status: criteria provided, single submitter. Criteria: Invitae Variant Classification Sherloc (09022015). Collection method: clinical testing. Allele origin: germline.
Comment: Advanced modeling of protein sequence and biophysical properties (such as structural, functional, and spatial information, amino acid conservation, physicochemical variation, residue mobility, and thermodynamic stability) performed at Invitae indicates that this missense variant is expected to disrupt OTC protein function. In summary, the currently available evidence indicates that the variant is pathogenic, but additional data are needed to prove that conclusively. Therefore, this variant has been classified as Likely Pathogenic. This variant disrupts the p.Ala253 amino acid residue in OTC. Other variant(s) that disrupt this residue have been observed in individuals with OTC-related conditions (PMID: 16786505), which suggests that this may be a clinically significant amino acid residue. This variant has been observed in individual(s) with clinical features of ornithine transcarbamylase deficiency (Invitae). This variant is not present in population databases (ExAC no frequency). This sequence change replaces alanine with glutamic acid at codon 253 of the OTC protein (p.Ala253Glu). The alanine residue is highly conserved and there is a moderate physicochemical difference between alanine and glutamic acid.

Literature cited by the submitters: PubMed 16786505.